The following is an entry in ClinVar:

ClinVar aggregate classification (germline): Uncertain significance (1 of 4 stars; one submission).

Submission:

Labcorp Genetics (formerly Invitae), Labcorp
Classification: Uncertain significance. Last evaluated: 2022-07-25. Review status: criteria provided, single submitter. Criteria: Invitae Variant Classification Sherloc (09022015). Collection method: clinical testing. Allele origin: germline.
Comment: In summary, the available evidence is currently insufficient to determine the role of this variant in disease. Therefore, it has been classified as a Variant of Uncertain Significance. Algorithms developed to predict the effect of missense changes on protein structure and function are either unavailable or do not agree on the potential impact of this missense change (SIFT: "Deleterious"; PolyPhen-2: "Probably Damaging"; Align-GVGD: "Class C0"). This variant has not been reported in the literature in individuals affected with CPLANE1-related conditions. This variant is not present in population databases (gnomAD no frequency). This sequence change replaces serine, which is neutral and polar, with cysteine, which is neutral and slightly polar, at codon 3118 of the CPLANE1 protein (p.Ser3118Cys).

NM_001384732.1(CPLANE1):c.9514A>T (p.Ser3172Cys)

Gene: CPLANE1 (ciliogenesis and planar polarity effector complex subunit 1; minus strand). Cytogenetic location: 5p13.2.
Variant type: single nucleotide variant.
Coding change: c.9514A>T on transcript NM_001384732.1 (MANE Select); coding-DNA position 9514, A replaced by T.
Protein change: p.Ser3172Cys; replaces serine 3172 with cysteine.
Molecular consequence: missense variant.
Genome position (GRCh38, 1-based): chr5:37,108,358, T>A on the plus strand (A>T on the coding strand, the complement: CPLANE1 is on the minus strand). VCF-style: chr5-37108358-T-A. GRCh37 (hg19) VCF-style: chr5-37108460-T-A.
Other names: c.9352A>T, p.Ser3118Cys (NM_023073.4); short protein forms S3118C, S3172C.
Identifiers: ClinVar variation 2019596 (VCV002019596.4), dbSNP rs2546354762, ClinGen allele CA359489774.
Genomic context (GRCh38, chr5:37,108,358, plus strand): 5'-GAAGGGAATTGTGACTCTCATGAAGAATCTTATGGATTTCTGAAGGTATCGTCCAGGGAC[T>A]CACCACAGTCTCCTCTCTTTCATACTCTACACACACCTGCTTGGTTTGAGGTGCAAGCCC-3'
Protein context (NP_001371661.1, residues 3162-3182): VEYEREETVV[Ser3172Cys]PWTIPSEIHK